The following is an entry in ClinVar:

NM_004667.6(HERC2):c.10931G>A (p.Arg3644Gln)

Gene: HERC2 (HECT and RLD domain containing E3 ubiquitin protein ligase 2; minus strand). Cytogenetic location: 15q13.1.
Variant type: single nucleotide variant.
Coding change: c.10931G>A on transcript NM_004667.6 (MANE Select); coding-DNA position 10931, G replaced by A.
Protein change: p.Arg3644Gln; replaces arginine 3644 with glutamine.
Molecular consequence: missense variant.
Genome position (GRCh38, 1-based): chr15:28,146,314, C>T on the plus strand (G>A on the coding strand, the complement: HERC2 is on the minus strand). VCF-style: chr15-28146314-C-T. GRCh37 (hg19) VCF-style: chr15-28391460-C-T.
Other names: short protein forms R3644Q.
Identifiers: ClinVar variation 452841 (VCV000452841.2), dbSNP rs750173093, ClinGen allele CA7440714.

ClinVar aggregate classification (germline): Uncertain significance (1 of 4 stars; one submission).

Allele frequency attached by ClinVar (database versions not stated): gnomAD exomes 0.00001; TOPMed below 0.00001; ExAC 0.00001.
gnomAD v4.1: 16 of 1,613,980 alleles (0.00099%); highest among the groups gnomAD compares: South Asian, 0.0022%; no homozygotes.

Submission:

GeneDx
Classification: Uncertain significance. Last evaluated: 2017-10-30. Review status: criteria provided, single submitter. Criteria: GeneDx Variant Classification (06012015). Collection method: clinical testing. Allele origin: germline. Affected: yes.
Comment: The R3644Q variant in the HERC2 gene has not been reported previously as a pathogenic variant, nor as a benign variant, to our knowledge. The R3644Q variant is not observed at a significant frequency in large population cohorts (Lek et al., 2016). The R3644Q variant is a semi-conservative amino acid substitution, which may impact secondary protein structure as these residues differ in some properties. In-silico analyses, including protein predictors and evolutionary conservation, support a deleterious effect. We interpret R3644Q as a variant of uncertain significance.